The following is an entry in ClinVar:

ClinVar aggregate classification (germline): Likely pathogenic (1 of 4 stars; one submission).

Submission:

Mayo Clinic Laboratories, Mayo Clinic
Classification: Likely pathogenic. Last evaluated: 2022-08-23. Review status: criteria provided, single submitter. Criteria: ACMG Guidelines, 2015. Collection method: clinical testing. Allele origin: germline. Observed: 1 variant allele.
Comment: PM2, PVS1

NM_001370595.2(COA8):c.184_187del (p.Tyr62fs)

Gene: COA8 (cytochrome c oxidase assembly factor 8; plus strand). Cytogenetic location: 14q32.33.
Variant type: Deletion.
Coding change: c.184_187del on transcript NM_001370595.2 (MANE Select); coding-DNA positions 184 to 187, 4 bases deleted (TATT; older notation c.184_187delTATT).
Protein change: p.Tyr62fs; shifts the reading frame from tyrosine 62.
Molecular consequence: frameshift variant. On other transcripts: non-coding transcript variant (2).
Genome position (GRCh38, 1-based): chr14:103,571,683-103,571,686, TATT deleted. VCF-style (leftmost placement, unchanged base first): chr14-103571682-ATATT-A. GRCh37 (hg19) VCF-style: chr14-104038019-ATATT-A.
Other names: p.Tyr75Glnfs*24; c.223_226del (NM_032374.4); c.184_187del, p.Tyr62fs (NM_001302653.2, NM_001302654.2); short protein forms Y62fs.
Identifiers: ClinVar variation 2683787 (VCV002683787.1), dbSNP rs2507477930, ClinGen allele CA2697554237.